The following is an entry in ClinVar:

ClinVar aggregate classification (germline): Likely benign. Review status: criteria provided, multiple submitters, no conflicts (2 of 4 stars). 4 submissions from 4 submitters: Likely benign (4). Last evaluated 2025-12-16.

Conditions:
NDUFAF3-related disorder. Also called: NDUFAF3-related condition.

Allele frequency attached by ClinVar (database versions not stated): gnomAD 0.00001 and 0.00002; gnomAD exomes 0.00001 and 0.00003; TOPMed 0.00003.

Submissions (4):

PreventionGenetics, part of Exact Sciences
Classification: Likely benign for NDUFAF3-related condition. Last evaluated: 2025-12-16. Review status: criteria provided, single submitter. Criteria: ACMG Guidelines, 2015. Collection method: clinical testing. Allele origin: germline.
Comment: This variant is classified as likely benign based on ACMG/AMP sequence variant interpretation guidelines (Richards et al. 2015 PMID: 25741868, with internal and published modifications).

Blueprint Genetics
Classification: Likely benign. Last evaluated: 2024-09-16. Review status: criteria provided, single submitter. Criteria: ACMG Guidelines, 2015. Collection method: clinical testing. Allele origin: germline.

Labcorp Genetics (formerly Invitae), Labcorp
Classification: Likely benign. Last evaluated: 2023-03-03. Review status: criteria provided, single submitter. Criteria: Invitae Variant Classification Sherloc (09022015). Collection method: clinical testing. Allele origin: germline.

GeneDx
Classification: Likely benign. Last evaluated: 2020-09-04. Review status: criteria provided, single submitter. Criteria: GeneDx Variant Classification Process June 2021. Collection method: clinical testing. Allele origin: germline. Affected: yes.

NM_199069.2(NDUFAF3):c.78-4G>A

Genes: NDUFAF3 (NADH:ubiquinone oxidoreductase complex assembly factor 3; plus strand), LOC129936730 (ATAC-STARR-seq lymphoblastoid silent region 14350; plus strand). Cytogenetic location: 3p21.31.
Variant type: single nucleotide variant.
Coding change: c.78-4G>A on transcript NM_199069.2 (MANE Select); 4 bases into the intron before coding-DNA position 78, G replaced by A.
Molecular consequence: intron variant.
Genome position (GRCh38, 1-based): chr3:49,022,342, G>A. VCF-style: chr3-49022342-G-A. GRCh37 (hg19) VCF-style: chr3-49059775-G-A.
Other names: c.-94-4G>A (NM_199074.2, NM_199073.2, NM_199070.2).
Identifiers: ClinVar variation 514204 (VCV000514204.10), dbSNP rs949193437, ClinGen allele CA74014841.